The following is an entry in ClinVar:

ClinVar aggregate classification (germline): Uncertain significance (1 of 4 stars; one submission).

gnomAD v4.1: 3 of 1,606,868 alleles (0.00019%); highest among the groups gnomAD compares: African/African-American, 0.0013%; no homozygotes.

Submission:

GeneDx
Classification: Uncertain significance. Last evaluated: 2024-12-15. Review status: criteria provided, single submitter. Criteria: GeneDx Variant Classification Process June 2021. Collection method: clinical testing. Allele origin: germline. Affected: yes.
Comment: Nonsense variant predicted to result in protein truncation or nonsense mediated decay in a gene or region of a gene for which loss of function is not a well-established mechanism of disease; Has not been previously published as pathogenic or benign to our knowledge

NM_001330311.2(DVL1):c.1030C>T (p.Arg344Ter)

Gene: DVL1 (dishevelled segment polarity protein 1; minus strand). Cytogenetic location: 1p36.33.
Variant type: single nucleotide variant.
Coding change: c.1030C>T on transcript NM_001330311.2 (MANE Select); coding-DNA position 1030, C replaced by T.
Protein change: p.Arg344Ter; replaces arginine 344 with a stop codon.
Molecular consequence: nonsense.
Genome position (GRCh38, 1-based): chr1:1,339,606, G>A on the plus strand (C>T on the coding strand, the complement: DVL1 is on the minus strand). VCF-style: chr1-1339606-G-A. GRCh37 (hg19) VCF-style: chr1-1274986-G-A.
Other names: c.1030C>T, p.Arg344Ter (NM_004421.3); short protein forms R344*.
Identifiers: ClinVar variation 3902958 (VCV003902958.1).